The following is an entry in ClinVar:

NM_024105.4(ALG12):c.424_428delinsCAGTTCCAC (p.Phe142fs)

Gene: ALG12 (ALG12 alpha-1,6-mannosyltransferase; minus strand). Cytogenetic location: 22q13.33.
Variant type: Indel.
Coding change: c.424_428delinsCAGTTCCAC on transcript NM_024105.4 (MANE Select); coding-DNA positions 424 to 428, TTCTA replaced by CAGTTCCAC.
Protein change: p.Phe142fs; shifts the reading frame from phenylalanine 142.
Molecular consequence: frameshift variant.
Genome position (GRCh38, 1-based): chr22:49,910,475-49,910,479, TAGAA replaced by GTGGAACTG on the plus strand (TTCTA replaced by CAGTTCCAC on the coding strand, the reverse complement: ALG12 is on the minus strand). VCF-style: chr22-49910475-TAGAA-GTGGAACTG. GRCh37 (hg19) VCF-style: chr22-50304123-TAGAA-GTGGAACTG.
Other names: short protein forms F142fs.
Identifiers: ClinVar variation 2103386 (VCV002103386.4), dbSNP rs2519269328, ClinGen allele CA2580099971.

ClinVar aggregate classification (germline): Pathogenic (1 of 4 stars; one submission).

Conditions:
ALG12-congenital disorder of glycosylation (CDG1G). Also called: ALG12-CDG; Congenital disorder of glycosylation, type Ig; CDG Ig. Identifiers: Orphanet 79324, MedGen C2931001, MONDO:0011783, OMIM 607143.

Submission:

Labcorp Genetics (formerly Invitae), Labcorp
Classification: Pathogenic for ALG12-congenital disorder of glycosylation. Last evaluated: 2022-02-25. Review status: criteria provided, single submitter. Criteria: Invitae Variant Classification Sherloc (09022015). Collection method: clinical testing. Allele origin: germline.
Comment: This variant has not been reported in the literature in individuals affected with ALG12-related conditions. This variant is not present in population databases (gnomAD no frequency). For these reasons, this variant has been classified as Pathogenic. Experimental studies and prediction algorithms are not available or were not evaluated, and the functional significance of this variant is currently unknown. This sequence change creates a premature translational stop signal (p.Phe142Glnfs*194) in the ALG12 gene. It is expected to result in an absent or disrupted protein product. Loss-of-function variants in ALG12 are known to be pathogenic (PMID: 15639192, 31481313).

Literature cited by the submitters: PubMed 15639192; PubMed 31481313.